The following is an entry in ClinVar:

ClinVar aggregate classification (germline): Uncertain significance. Review status: criteria provided, multiple submitters, no conflicts (2 of 4 stars). 2 submissions from 2 submitters: Uncertain significance (2). Last evaluated 2025-03-10.

Conditions:
Cardiovascular phenotype. Identifiers: MedGen CN230736.
Hereditary cancer-predisposing syndrome. Also called: Hereditary neoplastic syndrome; Tumor predisposition; Neoplastic Syndromes, Hereditary; Hereditary Cancer Syndrome. Identifiers: Orphanet 140162, MedGen C0027672, MeSH D009386, MONDO:0015356.
Neurofibromatosis, type 1 (NF1). Also called: VON RECKLINGHAUSEN DISEASE; NEUROFIBROMATOSIS, TYPE I, SOMATIC; Peripheral type neurofibromatosis; Neurofibromatosis, type I. Identifiers: Orphanet 636, MedGen C0027831, MONDO:0018975, OMIM 162200. Disease mechanism: loss of function.

Allele frequency attached by ClinVar (database versions not stated): gnomAD exomes below 0.00001.
gnomAD v4.1: 2 of 1,613,664 alleles (0.00012%); highest among the groups gnomAD compares: Non-Finnish European, 0.00017%; no homozygotes.

Submissions (2):

Ambry Genetics
Classification: Uncertain significance for Cardiovascular phenotype; Hereditary cancer-predisposing syndrome. Last evaluated: 2025-03-10. Review status: criteria provided, single submitter. Criteria: Ambry Variant Classification Scheme 2023. Collection method: clinical testing. Allele origin: germline.
Comment: The p.A2194V variant (also known as c.6581C>T), located in coding exon 43 of the NF1 gene, results from a C to T substitution at nucleotide position 6581. The alanine at codon 2194 is replaced by valine, an amino acid with similar properties. This amino acid position is conserved. In addition, the in silico prediction for this alteration is inconclusive. Based on the available evidence, the clinical significance of this variant remains unclear.

Labcorp Genetics (formerly Invitae), Labcorp
Classification: Uncertain significance for Neurofibromatosis, type 1. Last evaluated: 2019-09-24. Review status: criteria provided, single submitter. Criteria: Invitae Variant Classification Sherloc (09022015). Collection method: clinical testing. Allele origin: germline.
Comment: Algorithms developed to predict the effect of sequence changes on RNA splicing suggest that this variant may create or strengthen a splice site, but this prediction has not been confirmed by published transcriptional studies. This sequence change replaces alanine with valine at codon 2194 of the NF1 protein (p.Ala2194Val). The alanine residue is moderately conserved and there is a small physicochemical difference between alanine and valine. This variant is not present in population databases (ExAC no frequency). This variant has not been reported in the literature in individuals with NF1-related conditions. Algorithms developed to predict the effect of missense changes on protein structure and function are either unavailable or do not agree on the potential impact of this missense change (SIFT: "Deleterious"; PolyPhen-2: "Probably Damaging"; Align-GVGD: "Class C0"). In summary, the available evidence is currently insufficient to determine the role of this variant in disease. Therefore, it has been classified as a Variant of Uncertain Significance.

NM_001042492.3(NF1):c.6644C>T (p.Ala2215Val)

Gene: NF1 (neurofibromin 1; plus strand). Cytogenetic location: 17q11.2.
Variant type: single nucleotide variant.
Coding change: c.6644C>T on transcript NM_001042492.3 (MANE Select); coding-DNA position 6644, C replaced by T.
Protein change: p.Ala2215Val; replaces alanine 2215 with valine.
Molecular consequence: missense variant.
Genome position (GRCh38, 1-based): chr17:31,337,820, C>T. VCF-style: chr17-31337820-C-T. GRCh37 (hg19) VCF-style: chr17-29664838-C-T.
Other names: c.6581C>T, p.Ala2194Val (NM_000267.4); short protein forms A2215V, A2194V.
Identifiers: ClinVar variation 954558 (VCV000954558.7), dbSNP rs2069716487, ClinGen allele CA399013661.